The following is an entry in ClinVar:

NM_004082.5(DCTN1):c.727G>T (p.Ala243Ser)

Gene: DCTN1 (dynactin subunit 1; minus strand). Cytogenetic location: 2p13.1.
Variant type: single nucleotide variant.
Coding change: c.727G>T on transcript NM_004082.5 (MANE Select); coding-DNA position 727, G replaced by T.
Protein change: p.Ala243Ser; replaces alanine 243 with serine.
Molecular consequence: missense variant. On other transcripts: non-coding transcript variant (1).
Genome position (GRCh38, 1-based): chr2:74,371,095, C>A on the plus strand (G>T on the coding strand, the complement: DCTN1 is on the minus strand). VCF-style: chr2-74371095-C-A. GRCh37 (hg19) VCF-style: chr2-74598222-C-A.
Other names: c.667G>T, p.Ala223Ser (NM_001135040.3); c.325G>T, p.Ala109Ser (NM_001135041.3, NM_023019.4); c.616G>T, p.Ala206Ser (NM_001190836.2); c.706G>T, p.Ala236Ser (NM_001190837.2); c.676G>T, p.Ala226Ser (NM_001378991.1); c.658G>T, p.Ala220Ser (NM_001378992.1); short protein forms A109S, A220S, A226S, A243S, A206S, A236S, A223S.
Identifiers: ClinVar variation 1465322 (VCV001465322.8), dbSNP rs1674806644, ClinGen allele CA347366351.
Genomic context (GRCh38, chr2:74,371,095, plus strand): 5'-TCTTCCATTCCTGCACCTGCTCCAGCTGGATTTTGTGTTTCTCCAGCTCTTTTAGCTTTG[C>A]TTTGTCTTCTGCCCGTTTCAGTCTCAGGGTCTCTAGTTTCTCCTCCAGGTCCCGCACCTG-3'
Protein context (NP_004073.2, residues 233-253): TLRLKRAEDK[Ala243Ser]KLKELEKHKI

ClinVar aggregate classification (germline): Uncertain significance (1 of 4 stars; one submission).

Conditions:
Amyotrophic lateral sclerosis type 1 (ALS1). Also called: AMYOTROPHIC LATERAL SCLEROSIS 1, FAMILIAL. Identifiers: Orphanet 803, MedGen C1862939, MONDO:0007103, OMIM 105400.
Perry syndrome. Also called: PARKINSONISM WITH ALVEOLAR HYPOVENTILATION AND MENTAL DEPRESSION. Identifiers: Orphanet 178509, MedGen C1868594, MONDO:0008201, OMIM 168605.
Neuronopathy, distal hereditary motor, type 7B. Also called: HMN VIIB; LOWER MOTOR NEURON DISEASE, DYNACTIN TYPE; NEURONOPATHY, DISTAL HEREDITARY MOTOR, AUTOSOMAL DOMINANT 14; NEURONOPATHY, DISTAL HEREDITARY MOTOR, HARDING TYPE VIIB; NEUROPATHY, DISTAL HEREDITARY MOTOR, HARDING TYPE VIIB; NEUROPATHY, DISTAL HEREDITARY MOTOR, WITH VOCAL CORD PARALYSIS, HARDING TYPE VIIB. Identifiers: Orphanet 139589, MedGen C1843315, MONDO:0011879, OMIM 607641.

Submission:

Labcorp Genetics (formerly Invitae), Labcorp
Classification: Uncertain significance for Amyotrophic lateral sclerosis type 1; Neuronopathy, distal hereditary motor, type 7B; Perry syndrome. Last evaluated: 2022-08-15. Review status: criteria provided, single submitter. Criteria: Invitae Variant Classification Sherloc (09022015). Collection method: clinical testing. Allele origin: germline.
Comment: In summary, the available evidence is currently insufficient to determine the role of this variant in disease. Therefore, it has been classified as a Variant of Uncertain Significance. Algorithms developed to predict the effect of missense changes on protein structure and function (SIFT, PolyPhen-2, Align-GVGD) all suggest that this variant is likely to be disruptive. ClinVar contains an entry for this variant (Variation ID: 1465322). This variant has not been reported in the literature in individuals affected with DCTN1-related conditions. This variant is not present in population databases (gnomAD no frequency). This sequence change replaces alanine, which is neutral and non-polar, with serine, which is neutral and polar, at codon 243 of the DCTN1 protein (p.Ala243Ser).